The following is an entry in ClinVar:

ClinVar aggregate classification (germline): Conflicting classifications of pathogenicity. Review status: criteria provided, conflicting classifications (1 of 4 stars). 2 submissions from 2 submitters: Likely pathogenic (1); Uncertain significance (1). Last evaluated 2024-12-03.

Conditions:
Epileptic encephalopathy. Identifiers: MedGen C0543888, HP:0200134.

Allele frequency attached by ClinVar (database versions not stated): gnomAD exomes below 0.00001 and 0.00002; TOPMed 0.00002; gnomAD 0.00003; ESP Exome Variant Server 0.00008.
gnomAD v4.1: 41 of 1,613,916 alleles (0.0025%); highest among the groups gnomAD compares: East Asian, 0.0045%; no homozygotes.

Submissions (2):

Women's Health and Genetics/Laboratory Corporation of America, LabCorp
Classification: Uncertain significance. Last evaluated: 2024-12-03. Review status: criteria provided, single submitter. Criteria: LabCorp Variant Classification Summary - May 2015. Collection method: clinical testing. Allele origin: germline.
Comment: Variant summary: PRMT7 c.224C>T (p.Thr75Met) results in a non-conservative amino acid change located in the S-adenosyl-L-methionine-dependent methyltransferases domain (IPR029063) of the encoded protein sequence. Five of five in-silico tools predict a damaging effect of the variant on protein function. The variant allele was found at a frequency of 4e-06 in 251166 control chromosomes. The available data on variant occurrences in the general population are insufficient to allow any conclusion about variant significance. To our knowledge, no occurrence of c.224C>T in individuals affected with Short Stature, Brachydactyly, Intellectual Developmental Disability, And Seizures and no experimental evidence demonstrating its impact on protein function have been reported. ClinVar contains an entry for this variant (Variation ID: 1329859). Based on the evidence outlined above, the variant was classified as uncertain significance.

Cytogénomique, Hospices Civils de Lyon
Classification: Likely pathogenic for Epileptic encephalopathy. Last evaluated: 2020-06-12. Review status: criteria provided, single submitter. Criteria: ACMG Guidelines, 2015. Collection method: clinical testing. Allele origin: biparental. Inheritance: Autosomal recessive inheritance. Affected: yes. Observed: 1 variant allele, 1 homozygote.

NM_019023.5(PRMT7):c.224C>T (p.Thr75Met)

Gene: PRMT7 (protein arginine methyltransferase 7; plus strand). Cytogenetic location: 16q22.1.
Variant type: single nucleotide variant.
Coding change: c.224C>T on transcript NM_019023.5 (MANE Select); coding-DNA position 224, C replaced by T.
Protein change: p.Thr75Met; replaces threonine 75 with methionine.
Molecular consequence: missense variant. On other transcripts: synonymous variant (1), 5 prime UTR variant (3), non-coding transcript variant (12), intron variant (1).
Genome position (GRCh38, 1-based): chr16:68,324,774, C>T. VCF-style: chr16-68324774-C-T. GRCh37 (hg19) VCF-style: chr16-68358677-C-T.
Other names: c.224C>T, p.Thr75Met (NM_001290018.2, NM_001351143.3, NM_001351144.3 and 1 more transcripts); c.126C>T, p.His42= (NM_001378020.1); c.-14C>T (NM_001378021.1, NM_001378022.1, NM_001378023.1); c.132+3312C>T (NM_001184824.4); short protein forms T75M.
Identifiers: ClinVar variation 1329859 (VCV001329859.3), dbSNP rs371698853, ClinGen allele CA283234042.
Genomic context (GRCh38, chr16:68,324,774, plus strand): 5'-CCGTGAGCAGGGTGAAGGACAGAGGACAGAAGGCCTTGGTTCTCGACATTGGCACTGGCA[C>T]GGGACTCTTGTCAATGATGGCGGTCACAGCAGGTGCCGACTTCTGCTATGCCATCGAGGT-3'
Protein context (NP_061896.1, residues 65-85): KALVLDIGTG[Thr75Met]GLLSMMAVTA